The following is an entry in ClinVar:

NM_000038.6(APC):c.1743+1539C>A

Gene: APC (APC regulator of WNT signaling pathway; plus strand). Cytogenetic location: 5q22.2.
Variant type: single nucleotide variant.
Coding change: c.1743+1539C>A on transcript NM_000038.6 (MANE Select); 1539 bases into the intron after coding-DNA position 1743, C replaced by A.
Molecular consequence: intron variant.
Genome position (GRCh38, 1-based): chr5:112,830,511, C>A. VCF-style: chr5-112830511-C-A. GRCh37 (hg19) VCF-style: chr5-112166208-C-A.
Other names: c.1743+1539C>A (NM_001354895.2, NM_001127510.3); c.1773+1539C>A (NM_001354897.2); c.1470+1539C>A (NM_001354902.2); c.1689+1539C>A (NM_001127511.3); c.1668+1539C>A (NM_001354898.2); c.1365+1539C>A (NM_001354904.2); c.894+1539C>A (NM_001354906.2); c.1797+1539C>A (NM_001354896.2); and 5 more.
Identifiers: ClinVar variation 83174 (VCV000083174.2), dbSNP rs76056284, ClinGen allele CA005524.

ClinVar aggregate classification (germline): other (0 of 4 stars; one submission).

Conditions:
Familial colorectal cancer. Identifiers: MedGen CN280943, MONDO:0023113. Disease mechanism: loss of function.

Submission:

Systems Biology Platform Zhejiang California International NanoSystems Institute
Classification: other for Familial colorectal cancer. Review status: no assertion criteria provided. Collection method: not provided. Allele origin: unknown.
ClinVar note: Converted during submission from cancer to other.